The following is an entry in ClinVar:

ClinVar aggregate classification (germline): Uncertain significance (1 of 4 stars; one submission).

Submission:

GeneDx
Classification: Uncertain significance. Last evaluated: 2024-10-01. Review status: criteria provided, single submitter. Criteria: GeneDx Variant Classification Process June 2021. Collection method: clinical testing. Allele origin: germline. Affected: yes.
Comment: Has not been previously published as pathogenic or benign to our knowledge; Not observed at significant frequency in large population cohorts (gnomAD); In silico analysis indicates that this missense variant does not alter protein structure/function

NM_000098.3(CPT2):c.10C>T (p.Arg4Cys)

Genes: CPT2 (carnitine palmitoyltransferase 2; plus strand), LOC129930561 (ATAC-STARR-seq lymphoblastoid silent region 902; plus strand). Cytogenetic location: 1p32.3.
Variant type: single nucleotide variant.
Coding change: c.10C>T on transcript NM_000098.3 (MANE Select); coding-DNA position 10, C replaced by T.
Protein change: p.Arg4Cys; replaces arginine 4 with cysteine.
Molecular consequence: missense variant.
Genome position (GRCh38, 1-based): chr1:53,196,953, C>T. VCF-style: chr1-53196953-C-T. GRCh37 (hg19) VCF-style: chr1-53662625-C-T.
Other names: c.10C>T, p.Arg4Cys (NM_001330589.2); short protein forms R4C.
Identifiers: ClinVar variation 3776378 (VCV003776378.1).